The following is an entry in ClinVar:

NM_152564.5(VPS13B):c.732C>T (p.Asn244=)

Gene: VPS13B (vacuolar protein sorting 13 homolog B; plus strand). Cytogenetic location: 8q22.2.
Variant type: single nucleotide variant.
Coding change: c.732C>T on transcript NM_152564.5 (MANE Select); coding-DNA position 732, C replaced by T.
Protein change: p.Asn244=; no amino-acid change (asparagine 244 retained).
Molecular consequence: synonymous variant. On other transcripts: non-coding transcript variant (1).
Genome position (GRCh38, 1-based): chr8:99,111,249, C>T. VCF-style: chr8-99111249-C-T. GRCh37 (hg19) VCF-style: chr8-100123477-C-T.
Other names: c.732C>T, p.Asn244= (NM_181661.3, NM_015243.3, NM_017890.5); c.732C>T (NM_152564.4).
Identifiers: ClinVar variation 1146074 (VCV001146074.12), dbSNP rs774354165, ClinGen allele CA4822457.

ClinVar aggregate classification (germline): Likely benign. Review status: criteria provided, multiple submitters, no conflicts (2 of 4 stars). 4 submissions from 4 submitters: Likely benign (3). 1 of the submissions does not count toward it. Last evaluated 2026-09-01.

Conditions:
VPS13B-related disorder. Also called: VPS13B-related condition.
Cohen syndrome (COH1). Also called: PEPPER SYNDROME; Cutis verticis gyrata, retinitis pigmentosa, and sensorineural deafness. Identifiers: Orphanet 193, MedGen C0265223, MONDO:0008999, OMIM 216550.

Allele frequency attached by ClinVar (database versions not stated): ExAC 0.00001; gnomAD exomes 0.00001 and 0.00002; TOPMed 0.00001.
gnomAD v4.1: 5 of 1,603,220 alleles (0.00031%); highest among the groups gnomAD compares: Admixed American, 0.0034%; no homozygotes.

Submissions (4):

CeGaT Center for Human Genetics Tuebingen
Classification: Likely benign. Last evaluated: 2026-09-01. Review status: criteria provided, single submitter. Criteria: CeGaT Center For Human Genetics Tuebingen Variant Classification Criteria Version 2. Collection method: clinical testing. Allele origin: germline. Affected: yes. Observed: 1 variant allele.
Comment: VPS13B: BP4, BP7

Labcorp Genetics (formerly Invitae), Labcorp
Classification: Likely benign for Cohen syndrome. Last evaluated: 2025-12-08. Review status: criteria provided, single submitter. Criteria: Invitae Variant Classification Sherloc (09022015). Collection method: clinical testing. Allele origin: germline.

Blueprint Genetics
Classification: Likely benign. Last evaluated: 2021-06-04. Review status: criteria provided, single submitter. Criteria: ACMG Guidelines, 2015. Collection method: clinical testing. Allele origin: germline.

PreventionGenetics, part of Exact Sciences
Classification: Likely benign for VPS13B-related condition. Last evaluated: 2024-03-27. Review status: no assertion criteria provided. Collection method: clinical testing. Allele origin: germline. Not counted in ClinVar's aggregate classification.
Comment: This variant is classified as likely benign based on ACMG/AMP sequence variant interpretation guidelines (Richards et al. 2015 PMID: 25741868, with internal and published modifications).